The following is an entry in ClinVar:

NM_006031.6(PCNT):c.9905C>T (p.Ser3302Phe)

Gene: PCNT (pericentrin; plus strand). Cytogenetic location: 21q22.3.
Variant type: single nucleotide variant.
Coding change: c.9905C>T on transcript NM_006031.6 (MANE Select); coding-DNA position 9905, C replaced by T.
Protein change: p.Ser3302Phe; replaces serine 3302 with phenylalanine.
Molecular consequence: missense variant.
Genome position (GRCh38, 1-based): chr21:46,444,759, C>T. VCF-style: chr21-46444759-C-T. GRCh37 (hg19) VCF-style: chr21-47864672-C-T.
Other names: c.9314C>T, p.Ser3105Phe (NM_001315529.2); short protein forms S3105F, S3302F.
Identifiers: ClinVar variation 1306087 (VCV001306087.5), dbSNP rs2148140916, ClinGen allele CA410580053.
Genomic context (GRCh38, chr21:46,444,759, plus strand): 5'-CTCCATCCCCAAATTCAAGATTAGAAAGATCCCTGACTGCTTCTCAAGATCCAGAACATT[C>T]CTTGACAGAGTATATTCACCATTTAGAAGTGATCCAGCAAAGATTGGGAGGGGTACTACC-3'
Protein context (NP_006022.3, residues 3292-3312): SLTASQDPEH[Ser3302Phe]LTEYIHHLEV

ClinVar aggregate classification (germline): Uncertain significance. Review status: criteria provided, multiple submitters, no conflicts (2 of 4 stars). 2 submissions from 2 submitters: Uncertain significance (2). Last evaluated 2023-10-03.

Submissions (2):

Labcorp Genetics (formerly Invitae), Labcorp
Classification: Uncertain significance. Last evaluated: 2023-10-03. Review status: criteria provided, single submitter. Criteria: Invitae Variant Classification Sherloc (09022015). Collection method: clinical testing. Allele origin: germline.
Comment: This sequence change replaces serine, which is neutral and polar, with phenylalanine, which is neutral and non-polar, at codon 3302 of the PCNT protein (p.Ser3302Phe). This variant is not present in population databases (gnomAD no frequency). This variant has not been reported in the literature in individuals affected with PCNT-related conditions. ClinVar contains an entry for this variant (Variation ID: 1306087). An algorithm developed to predict the effect of missense changes on protein structure and function (PolyPhen-2) suggests that this variant is likely to be disruptive. In summary, the available evidence is currently insufficient to determine the role of this variant in disease. Therefore, it has been classified as a Variant of Uncertain Significance.

GeneDx
Classification: Uncertain significance. Last evaluated: 2019-06-04. Review status: criteria provided, single submitter. Criteria: GeneDx Variant Classification Process June 2021. Collection method: clinical testing. Allele origin: germline. Affected: yes.
Comment: Not observed in large population cohorts (Lek et al., 2016); In silico analysis, which includes protein predictors and evolutionary conservation, supports a deleterious effect; Has not been previously published as pathogenic or benign to our knowledge